The following is an entry in ClinVar:

ClinVar aggregate classification (germline): Uncertain significance (1 of 4 stars; one submission).

Conditions:
Hereditary spastic paraplegia 45. Also called: Spastic paraplegia 45, autosomal recessive; SPASTIC PARAPLEGIA 45. Identifiers: Orphanet 320396, MedGen C3888209, MONDO:0013165, OMIM 613162.

Allele frequency attached by ClinVar (database versions not stated): gnomAD exomes below 0.00001.
gnomAD v4.1: 1 of 1,614,142 alleles (0.000062%); highest among the groups gnomAD compares: Non-Finnish European, 0.000085%; no homozygotes.

Submission:

Labcorp Genetics (formerly Invitae), Labcorp
Classification: Uncertain significance for Hereditary spastic paraplegia 45. Last evaluated: 2022-04-15. Review status: criteria provided, single submitter. Criteria: Invitae Variant Classification Sherloc (09022015). Collection method: clinical testing. Allele origin: germline.
Comment: This sequence change replaces arginine, which is basic and polar, with histidine, which is basic and polar, at codon 456 of the NT5C2 protein (p.Arg456His). In summary, the available evidence is currently insufficient to determine the role of this variant in disease. Therefore, it has been classified as a Variant of Uncertain Significance. Algorithms developed to predict the effect of missense changes on protein structure and function (SIFT, PolyPhen-2, Align-GVGD) all suggest that this variant is likely to be disruptive. This variant has not been reported in the literature in individuals affected with NT5C2-related conditions. The frequency data for this variant in the population databases is considered unreliable, as metrics indicate poor data quality at this position in the gnomAD database.

NM_001351169.2(NT5C2):c.1367G>A (p.Arg456His)

Gene: NT5C2 (5'-nucleotidase, cytosolic II; minus strand). Cytogenetic location: 10q24.32.
Variant type: single nucleotide variant.
Coding change: c.1367G>A on transcript NM_001351169.2 (MANE Select); coding-DNA position 1367, G replaced by A.
Protein change: p.Arg456His; replaces arginine 456 with histidine.
Molecular consequence: missense variant.
Genome position (GRCh38, 1-based): chr10:103,090,693, C>T on the plus strand (G>A on the coding strand, the complement: NT5C2 is on the minus strand). VCF-style: chr10-103090693-C-T. GRCh37 (hg19) VCF-style: chr10-104850450-C-T.
Other names: c.1274G>A, p.Arg425His (NM_001351175.2); c.794G>A, p.Arg265His (NM_001351176.2, NM_001351177.2, NM_001351178.2 and 16 more transcripts); c.653G>A, p.Arg218His (NM_001351194.2, NM_001351195.2, NM_001351196.2); c.1367G>A, p.Arg456His (NM_012229.5, NM_001134373.3); c.1391G>A, p.Arg464His (NM_001351170.2, NM_001351171.2, NM_001351172.2 and 1 more transcripts); c.1280G>A, p.Arg427His (NM_001351174.1); short protein forms R218H, R265H, R425H, R427H, R456H, R464H.
Identifiers: ClinVar variation 2417885 (VCV002417885.6), dbSNP rs1030219633, ClinGen allele CA212321298.